The following is an entry in ClinVar:

ClinVar aggregate classification (germline): Benign (1 of 4 stars; one submission).

Conditions:
Epidermolysis bullosa simplex. Also called: Epidermolysis bullosa simplex, Weber-Cockayne type (subtype); Epidermolysis bullosa simplex, Dowling-Meara type (subtype); Epidermolysis bullosa simplex with mottled pigmentation (subtype). Identifiers: Orphanet 304, MedGen C0079298, MONDO:0017610.

Allele frequency attached by ClinVar (database versions not stated): gnomAD 0.00001 and 0.00014; TOPMed 0.00004; gnomAD exomes 0.00029; 1000 Genomes Project 0.00140; 1000 Genomes Project 30x 0.00156.
gnomAD v4.1: 94 of 397,090 alleles (0.024%); highest among the groups gnomAD compares: South Asian, 0.36%; 1 homozygote.

Submission:

Illumina Laboratory Services, Illumina
Classification: Benign for Epidermolysis bullosa simplex. Last evaluated: 2018-01-13. Review status: criteria provided, single submitter. Criteria: ICSL Variant Classification Criteria 13 December 2019. Collection method: clinical testing. Allele origin: germline.
Comment: This variant was observed in the ICSL laboratory as part of a predisposition screen in an ostensibly healthy population. It had not been previously curated by ICSL or reported in the Human Gene Mutation Database (HGMD: prior to June 1st, 2018), and was therefore a candidate for classification through an automated scoring system. Utilizing variant allele frequency, disease prevalence and penetrance estimates, and inheritance mode, an automated score was calculated to assess if this variant is too frequent to cause the disease. Based on the score and internal cut-off values, a variant classified as benign is not then subjected to further curation. The score for this variant resulted in a classification of benign for this disease.

NM_000424.4(KRT5):c.*323T>C

Gene: KRT5 (keratin 5; minus strand). Cytogenetic location: 12q13.13.
Variant type: single nucleotide variant.
Coding change: c.*323T>C on transcript NM_000424.4 (MANE Select); 323 bases downstream of the stop codon, T replaced by C.
Molecular consequence: 3 prime UTR variant.
Genome position (GRCh38, 1-based): chr12:52,514,619, A>G on the plus strand (T>C on the coding strand, the complement: KRT5 is on the minus strand). VCF-style: chr12-52514619-A-G. GRCh37 (hg19) VCF-style: chr12-52908403-A-G.
Identifiers: ClinVar variation 309547 (VCV000309547.5), dbSNP rs550268995, ClinGen allele CA10633189.
Genomic context (GRCh38, chr12:52,514,619, plus strand): 5'-AATTCTGCACACCAGCTTATATTATAAAAGCATTTTATTGAACACATTCTGGAGGTAGTT[A>G]GAACCAAAACAAAATTTGGGATTGGGGTGGGGATTCTGTTTTGATGATTTAGATTTGGGA-3'